The following is an entry in ClinVar:

ClinVar aggregate classification (germline): Uncertain significance. Review status: criteria provided, multiple submitters, no conflicts (2 of 4 stars). 2 submissions from 2 submitters: Uncertain significance (2). Last evaluated 2024-06-11.

Conditions:
Inborn genetic diseases. Identifiers: MedGen C0950123, MeSH D030342.
Nemaline myopathy 6 (NEM6). Also called: Nemaline myopathy 6, autosomal dominant. Identifiers: Orphanet 171439, MedGen C1836472, MONDO:0012237, OMIM 609273.

Allele frequency attached by ClinVar (database versions not stated): gnomAD below 0.00001 and 0.00001; gnomAD exomes below 0.00001; TOPMed 0.00003.

Submissions (2):

Labcorp Genetics (formerly Invitae), Labcorp
Classification: Uncertain significance for Nemaline myopathy 6. Last evaluated: 2024-06-11. Review status: criteria provided, single submitter. Criteria: Invitae Variant Classification Sherloc (09022015). Collection method: clinical testing. Allele origin: germline.
Comment: This sequence change replaces glycine, which is neutral and non-polar, with serine, which is neutral and polar, at codon 235 of the KBTBD13 protein (p.Gly235Ser). This variant is not present in population databases (gnomAD no frequency). This variant has not been reported in the literature in individuals affected with KBTBD13-related conditions. ClinVar contains an entry for this variant (Variation ID: 1036820). Advanced modeling of protein sequence and biophysical properties (such as structural, functional, and spatial information, amino acid conservation, physicochemical variation, residue mobility, and thermodynamic stability) performed at Invitae indicates that this missense variant is not expected to disrupt KBTBD13 protein function with a negative predictive value of 80%. In summary, the available evidence is currently insufficient to determine the role of this variant in disease. Therefore, it has been classified as a Variant of Uncertain Significance.

Ambry Genetics
Classification: Uncertain significance for Inborn genetic diseases. Last evaluated: 2024-01-19. Review status: criteria provided, single submitter. Criteria: Ambry Variant Classification Scheme 2023. Collection method: clinical testing. Allele origin: germline.

NM_001101362.3(KBTBD13):c.703G>A (p.Gly235Ser)

Gene: KBTBD13 (kelch repeat and BTB domain containing 13; plus strand). Cytogenetic location: 15q22.31.
Variant type: single nucleotide variant.
Coding change: c.703G>A on transcript NM_001101362.3 (MANE Select); coding-DNA position 703, G replaced by A.
Protein change: p.Gly235Ser; replaces glycine 235 with serine.
Molecular consequence: missense variant.
Genome position (GRCh38, 1-based): chr15:65,077,518, G>A. VCF-style: chr15-65077518-G-A. GRCh37 (hg19) VCF-style: chr15-65369856-G-A.
Other names: c.703G>A (NM_001101362.2); short protein forms G235S.
Identifiers: ClinVar variation 1036820 (VCV001036820.8), dbSNP rs1278649126, ClinGen allele CA392862501.